The following is an entry in ClinVar:

NM_030662.4(MAP2K2):c.705+128C>T

Gene: MAP2K2 (mitogen-activated protein kinase kinase 2; minus strand). Cytogenetic location: 19p13.3.
Variant type: single nucleotide variant.
Coding change: c.705+128C>T on transcript NM_030662.4 (MANE Select); 128 bases into the intron after coding-DNA position 705, C replaced by T.
Molecular consequence: intron variant.
Genome position (GRCh38, 1-based): chr19:4,100,891, G>A on the plus strand (C>T on the coding strand, the complement: MAP2K2 is on the minus strand). VCF-style: chr19-4100891-G-A. GRCh37 (hg19) VCF-style: chr19-4100889-G-A.
Identifiers: ClinVar variation 561389 (VCV000561389.2), dbSNP rs56120956, ClinGen allele CA15948371.

ClinVar aggregate classification (germline): Likely benign. Review status: criteria provided, multiple submitters, no conflicts (2 of 4 stars). 2 submissions from 2 submitters: Likely benign (2). Last evaluated 2018-06-14.

Allele frequency attached by ClinVar (database versions not stated): 1000 Genomes Project 30x 0.01093; 1000 Genomes Project 0.01138; TOPMed 0.01189; gnomAD 0.01288 and 0.01303.
gnomAD v4.1: 18,225 of 1,103,172 alleles (1.7%); highest among the groups gnomAD compares: Middle Eastern, 2.4%; 212 homozygotes.

Submissions (2):

GeneDx
Classification: Likely benign. Last evaluated: 2018-06-14. Review status: criteria provided, single submitter. Criteria: GeneDx Variant Classification (06012015). Collection method: clinical testing. Allele origin: germline. Affected: yes.
Comment: This variant is considered likely benign or benign based on one or more of the following criteria: it is a conservative change, it occurs at a poorly conserved position in the protein, it is predicted to be benign by multiple in silico algorithms, and/or has population frequency not consistent with disease.

Breakthrough Genomics
Classification: Likely benign. Review status: criteria provided, single submitter. Criteria: ACMG Guidelines, 2015. Collection method: not provided. Allele origin: germline. Inheritance: Autosomal dominant inheritance. Affected: yes.